The following is an entry in ClinVar:

NM_174916.3(UBR1):c.1228A>T (p.Arg410Ter)

Gene: UBR1 (ubiquitin protein ligase E3 component n-recognin 1; minus strand). Cytogenetic location: 15q15.2.
Variant type: single nucleotide variant.
Coding change: c.1228A>T on transcript NM_174916.3 (MANE Select); coding-DNA position 1228, A replaced by T.
Protein change: p.Arg410Ter; replaces arginine 410 with a stop codon.
Molecular consequence: nonsense.
Genome position (GRCh38, 1-based): chr15:43,056,397, T>A on the plus strand (A>T on the coding strand, the complement: UBR1 is on the minus strand). VCF-style: chr15-43056397-T-A. GRCh37 (hg19) VCF-style: chr15-43348595-T-A.
Other names: short protein forms R410*.
Identifiers: ClinVar variation 2989151 (VCV002989151.3), dbSNP rs371156658, ClinGen allele CA7518780.

ClinVar aggregate classification (germline): Pathogenic (1 of 4 stars; one submission).

Allele frequency attached by ClinVar (database versions not stated): gnomAD exomes below 0.00001; ExAC 0.00001; gnomAD 0.00002; TOPMed 0.00002; ESP Exome Variant Server 0.00008.
gnomAD v4.1: 5 of 1,612,528 alleles (0.00031%); highest among the groups gnomAD compares: African/African-American, 0.0013%; no homozygotes.

Submission:

Labcorp Genetics (formerly Invitae), Labcorp
Classification: Pathogenic. Last evaluated: 2023-05-14. Review status: criteria provided, single submitter. Criteria: Invitae Variant Classification Sherloc (09022015). Collection method: clinical testing. Allele origin: germline.
Comment: This sequence change creates a premature translational stop signal (p.Arg410*) in the UBR1 gene. It is expected to result in an absent or disrupted protein product. Loss-of-function variants in UBR1 are known to be pathogenic (PMID: 24599544). This variant is present in population databases (rs371156658, gnomAD 0.007%). This variant has not been reported in the literature in individuals affected with UBR1-related conditions. For these reasons, this variant has been classified as Pathogenic.

Literature cited by the submitters: PubMed 24599544.